The following is an entry in ClinVar:

ClinVar aggregate classification (germline): Uncertain significance (1 of 4 stars; one submission).

Conditions:
Usher syndrome, type 1M. Identifiers: MedGen C5231434, MONDO:0032841, OMIM 618632.

gnomAD v4.1: 2 of 1,612,810 alleles (0.00012%); highest among the groups gnomAD compares: Non-Finnish European, 0.00017%; no homozygotes.

Submission:

OLLIN Analises Genomicas, OLLIN
Classification: Uncertain significance for Usher syndrome, type 1M. Last evaluated: 2026-08-06. Review status: criteria provided, single submitter. Criteria: ACMG Guidelines 2015 PMID 25741868. Collection method: clinical testing. Allele origin: germline. Inheritance: Autosomal recessive inheritance.
Comment: This missense variant, located in exon 9 (of 13), has been observed in gnomAD with an allele frequency of 0.00012%, but has not been reported in ClinVar or identified in the literature. In silico analysis is inconclusive regarding the impact of this variant. According to the currently available evidence, this variant has been classified as uncertain significance (PM2_P).

NM_031475.3(ESPN):c.2030T>C (p.Val677Ala)

Gene: ESPN (espin; plus strand). Cytogenetic location: 1p36.31.
Variant type: single nucleotide variant.
Coding change: c.2030T>C on transcript NM_031475.3 (MANE Select); coding-DNA position 2030, T replaced by C.
Protein change: p.Val677Ala; replaces valine 677 with alanine.
Molecular consequence: missense variant.
Genome position (GRCh38, 1-based): chr1:6,451,717, T>C. VCF-style: chr1-6451717-T-C. GRCh37 (hg19) VCF-style: chr1-6511777-T-C.
Other names: c.1940T>C, p.Val647Ala (NM_001367473.1); c.1967T>C, p.Val656Ala (NM_001367474.1); short protein forms V677A, V647A, V656A.
Identifiers: ClinVar variation 5002863 (VCV005002863.1).